The following is an entry in ClinVar:

NM_001035.3(RYR2):c.3931G>A (p.Ala1311Thr)

Genes: RYR2 (ryanodine receptor 2; plus strand), LOC126806067 (BRD4-independent group 4 enhancer GRCh37_chr1:237753258-237754457; plus strand). Cytogenetic location: 1q43.
Variant type: single nucleotide variant.
Coding change: c.3931G>A on transcript NM_001035.3 (MANE Select); coding-DNA position 3931, G replaced by A.
Protein change: p.Ala1311Thr; replaces alanine 1311 with threonine.
Molecular consequence: missense variant.
Genome position (GRCh38, 1-based): chr1:237,590,763, G>A. VCF-style: chr1-237590763-G-A. GRCh37 (hg19) VCF-style: chr1-237754063-G-A.
Other names: short protein forms A1311T.
Identifiers: ClinVar variation 848830 (VCV000848830.18), dbSNP rs368635274, ClinGen allele CA086502.

ClinVar aggregate classification (germline): Uncertain significance. Review status: criteria provided, multiple submitters, no conflicts (2 of 4 stars). 5 submissions from 5 submitters: Uncertain significance (5). Last evaluated 2025-11-06.

Conditions:
Ventricular arrhythmias due to cardiac ryanodine receptor calcium release deficiency syndrome. Also called: Autosomal dominant cardiac arrhythmia (Kuhn). Identifiers: MedGen C5542154, MONDO:0020745, OMIM 115000.
Catecholaminergic polymorphic ventricular tachycardia 1. Also called: VENTRICULAR TACHYCARDIA, CATECHOLAMINERGIC POLYMORPHIC, 1, WITH OR WITHOUT ATRIAL DYSFUNCTION AND/OR DILATED CARDIOMYOPATHY; RYR2-Related Catecholaminergic Polymorphic Ventricular Tachycardia; VENTRICULAR TACHYCARDIA, STRESS-INDUCED POLYMORPHIC 1. Identifiers: Orphanet 3286, MedGen C1631597, MONDO:0011484, OMIM 604772.
Cardiovascular phenotype. Identifiers: MedGen CN230736.
Cardiomyopathy (CMYO). Also called: Cardiomyopathies. Identifiers: Orphanet 167848, MedGen C0878544, MONDO:0004994, HP:0001638. Inheritance: Various modes of inheritance.

Allele frequency attached by ClinVar (database versions not stated): gnomAD 0.00001; gnomAD exomes 0.00001; ExAC 0.00002; TOPMed 0.00002; ESP Exome Variant Server 0.00008.
gnomAD v4.1: 13 of 1,613,772 alleles (0.00081%); highest among the groups gnomAD compares: South Asian, 0.0033%; no homozygotes.

Submissions (5):

Labcorp Genetics (formerly Invitae), Labcorp
Classification: Uncertain significance for Catecholaminergic polymorphic ventricular tachycardia 1. Last evaluated: 2025-11-06. Review status: criteria provided, single submitter. Criteria: Invitae Variant Classification Sherloc (09022015). Collection method: clinical testing. Allele origin: germline.
Comment: This sequence change replaces alanine, which is neutral and non-polar, with threonine, which is neutral and polar, at codon 1311 of the RYR2 protein (p.Ala1311Thr). This variant is present in population databases (rs368635274, gnomAD 0.007%). This variant has not been reported in the literature in individuals affected with RYR2-related conditions. ClinVar contains an entry for this variant (Variation ID: 848830). Invitae Evidence Modeling of protein sequence and biophysical properties (such as structural, functional, and spatial information, amino acid conservation, physicochemical variation, residue mobility, and thermodynamic stability) indicates that this missense variant is not expected to disrupt RYR2 protein function with a negative predictive value of 95%. In summary, the available evidence is currently insufficient to determine the role of this variant in disease. Therefore, it has been classified as a Variant of Uncertain Significance.

Ambry Genetics
Classification: Uncertain significance for Cardiovascular phenotype. Last evaluated: 2025-01-02. Review status: criteria provided, single submitter. Criteria: Ambry Variant Classification Scheme 2023. Collection method: clinical testing. Allele origin: germline.
Comment: The p.A1311T variant (also known as c.3931G>A), located in coding exon 31 of the RYR2 gene, results from a G to A substitution at nucleotide position 3931. The alanine at codon 1311 is replaced by threonine, an amino acid with similar properties. This amino acid position is highly conserved in available vertebrate species. In addition, the in silico prediction for this alteration is inconclusive. Based on the available evidence, the clinical significance of this variant remains unclear.

Color Diagnostics, LLC DBA Color Health
Classification: Uncertain significance for Cardiomyopathy. Last evaluated: 2024-03-06. Review status: criteria provided, single submitter. Criteria: ACMG Guidelines, 2015. Collection method: clinical testing. Allele origin: germline.
Comment: This missense variant replaces alanine with threonine at codon 1311 of the RYR2 protein. Computational prediction suggests that this variant may not impact protein structure and function (internally defined REVEL score threshold <= 0.5, PMID: 27666373). To our knowledge, functional studies have not been reported for this variant. This variant has not been reported in individuals affected with RYR2-related disorders in the literature. This variant has been identified in 3/248844 chromosomes in the general population by the Genome Aggregation Database (gnomAD). The available evidence is insufficient to determine the role of this variant in disease conclusively. Therefore, this variant is classified as a Variant of Uncertain Significance.

Blueprint Genetics
Classification: Uncertain significance. Last evaluated: 2017-12-11. Review status: criteria provided, single submitter. Criteria: ACMG Guidelines, 2015. Collection method: clinical testing. Allele origin: germline.

Center for Genomics, Ann and Robert H. Lurie Children's Hospital of Chicago
Classification: Uncertain significance for Catecholaminergic polymorphic ventricular tachycardia 1; Ventricular arrhythmias due to cardiac ryanodine receptor calcium release deficiency syndrome. Review status: criteria provided, single submitter. Criteria: ACMG Guidelines, 2015. Collection method: clinical testing. Allele origin: germline.
Comment: RYR2 NM_001035.2 exon 31 p.Ala1311Thr (c.3931G>A): This variant has not been reported in the literature but is present in 0.004% (1/21524) of Finnish alleles in the Genome Aggregation Database. Evolutionary conservation and computational predictive tools for this variant are unclear. In summary, data on this variant is insufficient for disease classification. Therefore, the clinical significance of this variant is uncertain.